The following is an entry in ClinVar:

NM_014855.3(AP5Z1):c.931C>T (p.Arg311Ter)

Gene: AP5Z1 (adaptor related protein complex 5 subunit zeta 1; plus strand). Cytogenetic location: 7p22.1.
Variant type: single nucleotide variant.
Coding change: c.931C>T on transcript NM_014855.3 (MANE Select); coding-DNA position 931, C replaced by T.
Protein change: p.Arg311Ter; replaces arginine 311 with a stop codon.
Molecular consequence: nonsense. On other transcripts: non-coding transcript variant (1).
Genome position (GRCh38, 1-based): chr7:4,785,048, C>T. VCF-style: chr7-4785048-C-T. GRCh37 (hg19) VCF-style: chr7-4824679-C-T.
Other names: NP_055670.1:p.(Arg311Ter); c.463C>T, p.Arg155Ter (NM_001364858.1); short protein forms R155*, R311*.
Identifiers: ClinVar variation 974861 (VCV000974861.13), dbSNP rs376075583, ClinGen allele CA4137457.

ClinVar aggregate classification (germline): Pathogenic/Likely pathogenic. Review status: criteria provided, multiple submitters, no conflicts (2 of 4 stars). 8 submissions from 8 submitters: Pathogenic (5); Likely pathogenic (3). Last evaluated 2025-11-01.

Conditions:
Hereditary spastic paraplegia 48. Also called: SPASTIC PARAPLEGIA 48, AUTOSOMAL RECESSIVE; Spastic paraplegia 48. Identifiers: Orphanet 306511, MedGen C3150901, MONDO:0013342, OMIM 613647.
Macular dystrophy with or without extraocular features.
AP5Z1-related disorder. Also called: AP5Z1-related condition.
Retinal dystrophy. Also called: Inherited retinal dystrophy. Identifiers: Orphanet 71862, MedGen C0854723, MeSH D058499, MONDO:0019118, HP:0000556.

Allele frequency attached by ClinVar (database versions not stated): gnomAD 0.00001; TOPMed 0.00001; ExAC 0.00003; gnomAD exomes 0.00003 and 0.00010; ESP Exome Variant Server 0.00008; 1000 Genomes Project 30x 0.00016; 1000 Genomes Project 0.00020.

Submissions (8):

PreventionGenetics, part of Exact Sciences
Classification: Pathogenic for AP5Z1-related condition. Last evaluated: 2025-11-01. Review status: criteria provided, single submitter. Criteria: ACMG Guidelines, 2015. Collection method: clinical testing. Allele origin: germline.
Comment: The AP5Z1 c.931C>T variant is predicted to result in premature protein termination (p.Arg311*). This variant has been reported in the homozygous and presumed compound heterozygous states in individuals with autosomal recessive spastic paraplegia 48 (Hou et al. 2020. PubMed ID: 31980526; Bertoli-Avella et al. 2020. PubMed ID: 32860008). This variant is reported in 0.0056% of alleles in individuals of East Asian descent in gnomAD. Nonsense variants in AP5Z1 are expected to be pathogenic. This variant is interpreted as pathogenic.

Labcorp Genetics (formerly Invitae), Labcorp
Classification: Pathogenic for Hereditary spastic paraplegia 48. Last evaluated: 2025-04-17. Review status: criteria provided, single submitter. Criteria: Invitae Variant Classification Sherloc (09022015). Collection method: clinical testing. Allele origin: germline.
Comment: This sequence change creates a premature translational stop signal (p.Arg311*) in the AP5Z1 gene. It is expected to result in an absent or disrupted protein product. Loss-of-function variants in AP5Z1 are known to be pathogenic (PMID: 20613862, 27606357). This variant is present in population databases (rs376075583, gnomAD 0.006%). This premature translational stop signal has been observed in individual(s) with clinical features of AP5Z1-related conditions (PMID: 32860008). ClinVar contains an entry for this variant (Variation ID: 974861). For these reasons, this variant has been classified as Pathogenic.

Ophthalmic Genetics Group, Institute of Molecular and Clinical Ophthalmology Basel
Classification: Likely pathogenic for Macular dystrophy with or without extraocular features. Last evaluated: 2024-12-17. Review status: criteria provided, single submitter. Criteria: ACMG Guidelines, 2015. Collection method: research. Allele origin: germline. Affected: yes. Observed: 1 variant allele.
Comment: This stopgain change is introducing a premature termination codon at amino acid position 311, and likely results in a nonsense-mediated mRNA decay. This variant has a low population frequency based on gnomAD v2.1.1. and was previously observed in individuals with complicated spastic paraplegia (reported in ClinVar). This variant was classified as Likely pathogenic based on ACMG criteria: PVS1_vstrong, PM2_mod.

GeneDx
Classification: Pathogenic. Last evaluated: 2022-11-03. Review status: criteria provided, single submitter. Criteria: GeneDx Variant Classification Process June 2021. Collection method: clinical testing. Allele origin: germline. Affected: yes.
Comment: Nonsense variant predicted to result in protein truncation or nonsense mediated decay in a gene for which loss of function is a known mechanism of disease; Not observed at significant frequency in large population cohorts (gnomAD); This variant is associated with the following publications: (PMID: 32860008, 31980526)

Blueprint Genetics
Classification: Likely pathogenic for AP5Z1-related disorders. Last evaluated: 2022-10-04. Review status: criteria provided, single submitter. Criteria: ACMG Guidelines, 2015. Collection method: clinical testing. Allele origin: germline. Affected: yes. Observed: 2 variant alleles.

Institute of Human Genetics, Univ. Regensburg, Univ. Regensburg
Classification: Pathogenic for Retinal dystrophy. Last evaluated: 2021-01-01. Review status: criteria provided, single submitter. Criteria: ACMG Guidelines, 2015. Collection method: clinical testing. Allele origin: germline. Affected: yes.

Revvity Omics, Revvity
Classification: Pathogenic for Hereditary spastic paraplegia 48. Last evaluated: 2019-09-28. Review status: criteria provided, single submitter. Criteria: ACMG Guidelines, 2015. Collection method: clinical testing. Allele origin: germline.

CENTOGENE GmbH and LLC - Guiding Precision Medicine
Classification: Likely pathogenic for Hereditary spastic paraplegia 48. Review status: criteria provided, single submitter. Criteria: ACMG Guidelines, 2015. Collection method: clinical testing. Allele origin: germline. Affected: yes.

Literature cited by the submitters: PubMed 20613862 (cited by Labcorp Genetics (formerly Invitae), Labcorp); PubMed 27606357 (cited by Labcorp Genetics (formerly Invitae), Labcorp); PubMed 32860008 (cited by Labcorp Genetics (formerly Invitae), Labcorp and CENTOGENE GmbH and LLC - Guiding Precision Medicine); PubMed 40081374 (cited by Ophthalmic Genetics Group, Institute of Molecular and Clinical Ophthalmology Basel); PubMed 31980526 (cited by Institute of Human Genetics, Univ. Regensburg, Univ. Regensburg); PubMed 3286 (cited by Institute of Human Genetics, Univ. Regensburg, Univ. Regensburg).